The following is an entry in ClinVar:

NM_001022.4(RPS19):c.112A>C (p.Lys38Gln)

Genes: RPS19 (ribosomal protein S19; plus strand), RPS19-CD79A (RPS19-CD79A readthrough; plus strand). Cytogenetic location: 19q13.2.
Variant type: single nucleotide variant.
Coding change: c.112A>C on transcript NM_001022.4 (MANE Select); coding-DNA position 112, A replaced by C.
Protein change: p.Lys38Gln; replaces lysine 38 with glutamine.
Molecular consequence: missense variant.
Genome position (GRCh38, 1-based): chr19:41,861,152, A>C. VCF-style: chr19-41861152-A-C. GRCh37 (hg19) VCF-style: chr19-42365221-A-C.
Other names: c.112A>C, p.Lys38Gln (NM_001321483.2, NM_001321484.2, NM_001321485.2); short protein forms K38Q.
Identifiers: ClinVar variation 1727796 (VCV001727796.2), dbSNP rs138395296, ClinGen allele CA308589067.

ClinVar aggregate classification (germline): Uncertain significance (1 of 4 stars; one submission).

Conditions:
Diamond-Blackfan anemia. Also called: Blackfan Diamond syndrome; Aregenerative anemia chronic congenital; Red cell aplasia, pure hereditary; Congenital hypoplastic anemia; Aase syndrome. Identifiers: Orphanet 124, MedGen C1260899, MeSH D029503, MONDO:0015253, HP:0004810.

Submission:

Ambry Genetics
Classification: Uncertain significance for Diamond-Blackfan anemia. Last evaluated: 2017-07-06. Review status: criteria provided, single submitter. Criteria: Ambry Variant Classification Scheme 2023. Collection method: clinical testing. Allele origin: germline.
Comment: The p.K38Q variant (also known as c.112A>C), located in coding exon 2 of the RPS19 gene, results from an A to C substitution at nucleotide position 112. The lysine at codon 38 is replaced by glutamine, an amino acid with similar properties. This amino acid position is highly conserved in available vertebrate species. In addition, this alteration is predicted to be deleterious by in silico analysis. Since supporting evidence is limited at this time, the clinical significance of this alteration remains unclear.